The following is an entry in ClinVar:

NM_005655.4(KLF10):c.1008G>A (p.Pro336=)

Gene: KLF10 (KLF transcription factor 10; minus strand). Cytogenetic location: 8q22.3.
Variant type: single nucleotide variant.
Coding change: c.1008G>A on transcript NM_005655.4 (MANE Select); coding-DNA position 1008, G replaced by A.
Protein change: p.Pro336=; no amino-acid change (proline 336 retained).
Molecular consequence: synonymous variant.
Genome position (GRCh38, 1-based): chr8:102,651,324, C>T on the plus strand (G>A on the coding strand, the complement: KLF10 is on the minus strand). VCF-style: chr8-102651324-C-T. GRCh37 (hg19) VCF-style: chr8-103663552-C-T.
Other names: c.1008G>A (NM_005655.3); c.975G>A, p.Pro325= (NM_001032282.4).
Identifiers: ClinVar variation 1585601 (VCV001585601.10), dbSNP rs143947106, ClinGen allele CA4833491.

ClinVar aggregate classification (germline): Benign. Review status: criteria provided, single submitter (1 of 4 stars). 2 submissions from 2 submitters: Benign (1). 1 of the submissions does not count toward it. Last evaluated 2026-01-27.

Conditions:
KLF10-related disorder. Also called: KLF10-related condition.

Allele frequency attached by ClinVar (database versions not stated): gnomAD exomes 0.00009 and 0.00024; ExAC 0.00030; 1000 Genomes Project 0.00040; 1000 Genomes Project 30x 0.00062; gnomAD 0.00067 and 0.00069; TOPMed 0.00075; ESP Exome Variant Server 0.00100.
gnomAD v4.1: 232 of 1,598,210 alleles (0.015%); highest among the groups gnomAD compares: African/African-American, 0.25%; 1 homozygote.

Submissions (2):

Labcorp Genetics (formerly Invitae), Labcorp
Classification: Benign. Last evaluated: 2026-01-27. Review status: criteria provided, single submitter. Criteria: Invitae Variant Classification Sherloc (09022015). Collection method: clinical testing. Allele origin: germline.

PreventionGenetics, part of Exact Sciences
Classification: Likely benign for KLF10-related condition. Last evaluated: 2019-06-05. Review status: no assertion criteria provided. Collection method: clinical testing. Allele origin: germline. Not counted in ClinVar's aggregate classification.
Comment: This variant is classified as likely benign based on ACMG/AMP sequence variant interpretation guidelines (Richards et al. 2015 PMID: 25741868, with internal and published modifications).